The following is an entry in ClinVar:

ClinVar aggregate classification (germline): Pathogenic/Likely pathogenic. Review status: criteria provided, multiple submitters, no conflicts (2 of 4 stars). 2 submissions from 2 submitters: Pathogenic (1); Likely pathogenic (1). Last evaluated 2024-06-16.

Conditions:
Fanconi anemia complementation group P. Also called: SLX4-Related Fanconi Anemia. Identifiers: Orphanet 84, MedGen C3469542, MONDO:0013499, OMIM 613951.
Fanconi anemia (FA). Also called: Fanconi's anemia. Identifiers: Orphanet 84, MedGen C0015625, MeSH D005199, MONDO:0019391.

Allele frequency attached by ClinVar (database versions not stated): gnomAD exomes 0.00001; TOPMed 0.00001.
gnomAD v4.1: 18 of 1,582,440 alleles (0.0011%); highest among the groups gnomAD compares: Non-Finnish European, 0.0015%; no homozygotes.

Submissions (2):

Labcorp Genetics (formerly Invitae), Labcorp
Classification: Pathogenic for Fanconi anemia. Last evaluated: 2024-06-16. Review status: criteria provided, single submitter. Criteria: Invitae Variant Classification Sherloc (09022015). Collection method: clinical testing. Allele origin: germline.
Comment: This sequence change creates a premature translational stop signal (p.Trp1428*) in the SLX4 gene. It is expected to result in an absent or disrupted protein product. Loss-of-function variants in SLX4 are known to be pathogenic (PMID: 21240277). This variant is present in population databases (no rsID available, gnomAD 0.002%). This variant has not been reported in the literature in individuals affected with SLX4-related conditions. ClinVar contains an entry for this variant (Variation ID: 2177902). For these reasons, this variant has been classified as Pathogenic.

Fulgent Genetics
Classification: Likely pathogenic for Fanconi anemia complementation group P. Last evaluated: 2024-02-20. Review status: criteria provided, single submitter. Criteria: ACMG Guidelines, 2015. Collection method: clinical testing. Allele origin: germline.

Literature cited by the submitters: PubMed 21240277 (cited by Labcorp Genetics (formerly Invitae), Labcorp).

NM_032444.4(SLX4):c.4283G>A (p.Trp1428Ter)

Gene: SLX4 (SLX4 structure-specific endonuclease subunit; minus strand). Cytogenetic location: 16p13.3.
Variant type: single nucleotide variant.
Coding change: c.4283G>A on transcript NM_032444.4 (MANE Select); coding-DNA position 4283, G replaced by A.
Protein change: p.Trp1428Ter; replaces tryptophan 1428 with a stop codon.
Molecular consequence: nonsense.
Genome position (GRCh38, 1-based): chr16:3,589,355, C>T on the plus strand (G>A on the coding strand, the complement: SLX4 is on the minus strand). VCF-style: chr16-3589355-C-T. GRCh37 (hg19) VCF-style: chr16-3639356-C-T.
Other names: short protein forms W1428*.
Identifiers: ClinVar variation 2177902 (VCV002177902.5), dbSNP rs1028935047, ClinGen allele CA276958369.